The following is an entry in ClinVar:

NM_000313.4(PROS1):c.556T>C (p.Cys186Arg)

Gene: PROS1 (protein S; minus strand). Cytogenetic location: 3q11.1.
Variant type: single nucleotide variant.
Coding change: c.556T>C on transcript NM_000313.4 (MANE Select); coding-DNA position 556, T replaced by C.
Protein change: p.Cys186Arg; replaces cysteine 186 with arginine.
Molecular consequence: missense variant.
Genome position (GRCh38, 1-based): chr3:93,905,829, A>G on the plus strand (T>C on the coding strand, the complement: PROS1 is on the minus strand). VCF-style: chr3-93905829-A-G. GRCh37 (hg19) VCF-style: chr3-93624673-A-G.
Other names: c.652T>C, p.Cys218Arg (NM_001314077.2); short protein forms C186R, C218R.
Identifiers: ClinVar variation 4529469 (VCV004529469.2).

ClinVar aggregate classification (germline): Likely pathogenic. Review status: criteria provided, single submitter (1 of 4 stars). 2 submissions from 2 submitters: Likely pathogenic (1). 1 of the submissions does not count toward it. Last evaluated 2024-05-22.

Conditions:
Thrombophilia due to protein S deficiency, autosomal dominant (THPH5). Identifiers: Orphanet 26349, Orphanet 743, MedGen C3278211, MONDO:0012868, OMIM 612336. Disease mechanism: loss of function.

Submissions (2):

Human Genetics Bochum, Ruhr University Bochum
Classification: Likely pathogenic for Thrombophilia due to protein S deficiency, autosomal dominant. Last evaluated: 2024-05-22. Review status: criteria provided, single submitter. Criteria: ACMG Guidelines, 2015. Collection method: clinical testing. Allele origin: germline. Affected: yes.
Comment: ACMG criteria used to clasify this variant: PP3_STR, PM5, PM2_SUP

Department of Transfusion Medicine and Hemostaseology, University Hospital Erlangen
Classification: Likely pathogenic for Thrombophilia due to protein S deficiency, autosomal dominant. Last evaluated: 2025-09-01. Review status: no assertion criteria provided. Collection method: clinical testing. Allele origin: germline. Not counted in ClinVar's aggregate classification.
Comment: This variant was identified during a screening of patients with suspected hereditary Protein S deficiency. It has been described in the literature as associated with protein S deficiency (PMID: 22261441), but has not been characterized in vitro. No allele frequency is reported in dbSNP. Several in silico variant effect prediction tools (PolyPhen-2, SIFT, AlphaMissense) classify this variant as likely pathogenic. Taken together, we classified this variant as likely pathogenic.

Literature cited by the submitters: PubMed 22261441 (cited by Department of Transfusion Medicine and Hemostaseology, University Hospital Erlangen).